The following is an entry in ClinVar:

ClinVar aggregate classification (germline): Benign (1 of 4 stars; one submission).

Allele frequency attached by ClinVar (database versions not stated): 1000 Genomes Project 0.54932; gnomAD 0.54972 and 0.55357; 1000 Genomes Project 30x 0.55887; TOPMed 0.56725.
gnomAD v4.1: 83,600 of 152,040 alleles (55%); highest among the groups gnomAD compares: African/African-American, 63%; 23,434 homozygotes.

Submission:

GeneDx
Classification: Benign. Last evaluated: 2018-06-19. Review status: criteria provided, single submitter. Criteria: GeneDx Variant Classification (06012015). Collection method: clinical testing. Allele origin: germline. Affected: yes.
Comment: This variant is considered likely benign or benign based on one or more of the following criteria: it is a conservative change, it occurs at a poorly conserved position in the protein, it is predicted to be benign by multiple in silico algorithms, and/or has population frequency not consistent with disease.

NM_005908.4(MANBA):c.2415+269A>G

Gene: MANBA (mannosidase beta; minus strand). Cytogenetic location: 4q24.
Variant type: single nucleotide variant.
Coding change: c.2415+269A>G on transcript NM_005908.4 (MANE Select); 269 bases into the intron after coding-DNA position 2415, A replaced by G.
Molecular consequence: intron variant.
Genome position (GRCh38, 1-based): chr4:102,634,519, T>C on the plus strand (A>G on the coding strand, the complement: MANBA is on the minus strand). VCF-style: chr4-102634519-T-C. GRCh37 (hg19) VCF-style: chr4-103555676-T-C.
Identifiers: ClinVar variation 667478 (VCV000667478.1), dbSNP rs6839064, ClinGen allele CA11695951.
Genomic context (GRCh38, chr4:102,634,519, plus strand): 5'-AAGCACCTAGAACACAGCCTGGAACCTAGTGGGCATGCAGGCAGTGGTGATGACTCGAGC[T>C]TCCTCTCCCATCACTGCACCTGCCCACTAAGGAGGGGTGATGGGACAAACGAGTAGTGGT-3'